The following is an entry in ClinVar:

ClinVar aggregate classification (germline): Conflicting classifications of pathogenicity. Review status: criteria provided, conflicting classifications (1 of 4 stars). 2 submissions from 2 submitters: Uncertain significance (1); Likely benign (1). Last evaluated 2025-11-12.

Conditions:
Neonatal-onset encephalopathy with rigidity and seizures. Also called: Lethal neonatal spasticity-epileptic encephalopathy syndrome. Identifiers: Orphanet 435845, MedGen C3281029, MONDO:0013784, OMIM 614498.

Allele frequency attached by ClinVar (database versions not stated): gnomAD exomes 0.00009; ExAC 0.00014; 1000 Genomes Project 0.00020; TOPMed 0.00028; 1000 Genomes Project 30x 0.00031; gnomAD 0.00031 and 0.00035; ESP Exome Variant Server 0.00054.
gnomAD v4.1: 100 of 1,610,618 alleles (0.0062%); highest among the groups gnomAD compares: African/African-American, 0.11%; no homozygotes.

Submissions (2):

Labcorp Genetics (formerly Invitae), Labcorp
Classification: Likely benign for Neonatal-onset encephalopathy with rigidity and seizures. Last evaluated: 2025-11-12. Review status: criteria provided, single submitter. Criteria: Invitae Variant Classification Sherloc (09022015). Collection method: clinical testing. Allele origin: germline.

GeneDx
Classification: Uncertain significance. Last evaluated: 2025-06-26. Review status: criteria provided, single submitter. Criteria: GeneDx Variant Classification Process June 2021. Collection method: clinical testing. Allele origin: germline. Affected: yes.
Comment: In silico analysis suggests that this missense variant does not alter protein structure/function; Has not been previously published as pathogenic or benign to our knowledge

NM_152743.4(BRAT1):c.1727G>C (p.Gly576Ala)

Gene: BRAT1 (BRCA1 associated ATM activator 1; minus strand). Cytogenetic location: 7p22.3.
Variant type: single nucleotide variant.
Coding change: c.1727G>C on transcript NM_152743.4 (MANE Select); coding-DNA position 1727, G replaced by C.
Protein change: p.Gly576Ala; replaces glycine 576 with alanine.
Molecular consequence: missense variant. On other transcripts: non-coding transcript variant (1).
Genome position (GRCh38, 1-based): chr7:2,539,222, C>G on the plus strand (G>C on the coding strand, the complement: BRAT1 is on the minus strand). VCF-style: chr7-2539222-C-G. GRCh37 (hg19) VCF-style: chr7-2578856-C-G.
Other names: c.1727G>C, p.Gly576Ala (NM_001350626.2); c.1202G>C, p.Gly401Ala (NM_001350627.2); short protein forms G576A, G401A.
Identifiers: ClinVar variation 472955 (VCV000472955.13), dbSNP rs150846882, ClinGen allele CA4127616.